The following is an entry in ClinVar:

ClinVar aggregate classification (germline): Pathogenic (1 of 4 stars; one submission).

Submission:

Labcorp Genetics (formerly Invitae), Labcorp
Classification: Pathogenic. Last evaluated: 2022-01-19. Review status: criteria provided, single submitter. Criteria: Invitae Variant Classification Sherloc (09022015). Collection method: clinical testing. Allele origin: germline.
Comment: For these reasons, this variant has been classified as Pathogenic. This variant disrupts a region of the SERPINF1 protein in which other variant(s) (p.Trp364* ) have been determined to be pathogenic (PMID: 28116328). This suggests that this is a clinically significant region of the protein, and that variants that disrupt it are likely to be disease-causing. This variant has not been reported in the literature in individuals affected with SERPINF1-related conditions. This variant is not present in population databases (gnomAD no frequency). This sequence change creates a premature translational stop signal (p.Asp342Thrfs*12) in the SERPINF1 gene. While this is not anticipated to result in nonsense mediated decay, it is expected to disrupt the last 77 amino acid(s) of the SERPINF1 protein.

Literature cited by the submitters: PubMed 28116328.

NM_002615.7(SERPINF1):c.1024del (p.Asp342fs)

Gene: SERPINF1 (serpin family F member 1; plus strand). Cytogenetic location: 17p13.3.
Variant type: Deletion.
Coding change: c.1024del on transcript NM_002615.7 (MANE Select); coding-DNA position 1024, one base deleted (G; older notation c.1024delG).
Protein change: p.Asp342fs; shifts the reading frame from aspartic acid 342.
Molecular consequence: frameshift variant.
Genome position (GRCh38, 1-based): chr17:1,777,213, G deleted. VCF-style (leftmost placement, unchanged base first): chr17-1777212-AG-A. GRCh37 (hg19) VCF-style: chr17-1680506-AG-A.
Other names: c.1024del, p.Asp342fs (NM_001329903.2); c.463del, p.Asp155fs (NM_001329904.2, NM_001329905.2); short protein forms D342fs, D155fs.
Identifiers: ClinVar variation 1445232 (VCV001445232.6), dbSNP rs2151213387, ClinGen allele CA2573152974.
Genomic context (GRCh38, chr17:1,777,212, plus strand): 5'-AGGGTTTTAACGGAAATCTCTCTCCATCTCTACAGAGCTGCAATCCTTGTTTGATTCACC[AG>A]ACTTTAGCAAGATCACAGGCAAACCCATCAAGCTGACTCAGGTGGAACACCGGGCTGGCT-3'